The following is an entry in ClinVar:

ClinVar aggregate classification (germline): Pathogenic (1 of 4 stars; one submission).

Conditions:
LAMA3-related disorder. Also called: LAMA3-related disorders; LAMA3-related condition.

Submission:

3billion
Classification: Pathogenic for LAMA3-related disorder. Last evaluated: 2025-11-12. Review status: criteria provided, single submitter. Criteria: ACMG Guidelines, 2015. Collection method: clinical testing. Allele origin: germline. Affected: yes.
Comment: The variant is not observed in the gnomAD v4.1.0 dataset. Predicted Consequence/Location: Canonical splice site: predicted to alter splicing and result in a loss or disruption of normal protein function. Multiple pathogenic loss-of-function variants are reported downstream of the variant. In silico tools predict the variant to alter splicing and produce an abnormal transcript [SpliceAI: 0.98 (spliceogenicity >=0.2, non-spliceogenicity <0.1)]. Therefore, this variant is classified as Pathogenic according to the recommendation of ACMG/AMP guideline.

NM_198129.4(LAMA3):c.8577-1G>A

Gene: LAMA3 (laminin subunit alpha 3; plus strand). Cytogenetic location: 18q11.2.
Variant type: single nucleotide variant.
Coding change: c.8577-1G>A on transcript NM_198129.4 (MANE Select); the canonical splice acceptor site of the intron before coding-DNA position 8577, G replaced by A.
Molecular consequence: splice acceptor variant.
Genome position (GRCh38, 1-based): chr18:23,932,159, G>A. VCF-style: chr18-23932159-G-A. GRCh37 (hg19) VCF-style: chr18-21512123-G-A.
Other names: c.8409-1G>A (NM_001127717.4); c.3750-1G>A (NM_000227.6); c.3582-1G>A (NM_001127718.4).
Identifiers: ClinVar variation 4856202 (VCV004856202.1).